The following is an entry in ClinVar:

NM_000271.5(NPC1):c.1947+9_1947+10insC

Gene: NPC1 (NPC intracellular cholesterol transporter 1; minus strand). Cytogenetic location: 18q11.2.
Variant type: Insertion.
Coding change: c.1947+9_1947+10insC on transcript NM_000271.5 (MANE Select); bases 9 to 10 of the intron after coding-DNA position 1947, C inserted.
Molecular consequence: intron variant.
Genome position: GRCh38 VCF-style: chr18-23544950-C-CG. GRCh37 (hg19) VCF-style: chr18-21124914-C-CG.
Identifiers: ClinVar variation 598437 (VCV000598437.18), dbSNP rs1555634683, ClinGen allele CA297060532.
Genomic context (GRCh38, chr18:23,544,950, plus strand): 5'-GCAAAAATATGACGTTACACTGTGCACTGCTGTTAACCTCTAGAACATACACCACCCCCC[C>CG]CCGGCTTACCAGAAGCCTGCGACAGCTTTTCATGTGCCCCAAGGCTAGGGAAATATATAG-3'

ClinVar aggregate classification (germline): Benign/Likely benign. Review status: criteria provided, multiple submitters, no conflicts (2 of 4 stars). 4 submissions from 4 submitters: Benign (1); Likely benign (2). 1 of the submissions does not count toward it. Last evaluated 2025-12-09.

Conditions:
Niemann-Pick disease, type C1. Also called: NIEMANN-PICK DISEASE, VARIANT TYPE C1; NEUROVISCERAL STORAGE DISEASE WITH VERTICAL SUPRANUCLEAR OPHTHALMOPLEGIA; NIEMANN-PICK DISEASE WITH CHOLESTEROL ESTERIFICATION BLOCK; NIEMANN-PICK DISEASE WITHOUT SPHINGOMYELINASE DEFICIENCY; NIEMANN-PICK DISEASE, CHRONIC NEURONOPATHIC FORM. Identifiers: Orphanet 646, MedGen C3179455, MONDO:0009757, OMIM 257220.
NPC1-related disorder. Also called: NPC1-related condition.

Allele frequency attached by ClinVar (database versions not stated): ESP Exome Variant Server 0.00567.

Submissions (4):

Labcorp Genetics (formerly Invitae), Labcorp
Classification: Likely benign for Niemann-Pick disease, type C1. Last evaluated: 2025-12-09. Review status: criteria provided, single submitter. Criteria: Invitae Variant Classification Sherloc (09022015). Collection method: clinical testing. Allele origin: germline.

Blueprint Genetics
Classification: Likely benign. Last evaluated: 2024-08-27. Review status: criteria provided, single submitter. Criteria: ACMG Guidelines, 2015. Collection method: clinical testing. Allele origin: germline.

Eurofins Ntd Llc (ga)
Classification: Benign. Last evaluated: 2018-08-20. Review status: criteria provided, single submitter. Criteria: EGL ClinVar v180209 classification definitions. Collection method: clinical testing. Allele origin: germline. Observed: 1 variant allele, 1 heterozygote.

PreventionGenetics, part of Exact Sciences
Classification: Likely benign for NPC1-related condition. Last evaluated: 2021-07-30. Review status: no assertion criteria provided. Collection method: clinical testing. Allele origin: germline. Not counted in ClinVar's aggregate classification.
Comment: This variant is classified as likely benign based on ACMG/AMP sequence variant interpretation guidelines (Richards et al. 2015 PMID: 25741868, with internal and published modifications).